The following is an entry in ClinVar:

ClinVar aggregate classification (germline): Conflicting classifications of pathogenicity. Review status: criteria provided, conflicting classifications (1 of 4 stars). 5 submissions from 5 submitters: Uncertain significance (1); Likely benign (3). 1 of the submissions does not count toward it. Last evaluated 2025-12-03.

Conditions:
DAG1-related disorder. Also called: DAG1-related condition.
Muscular dystrophy-dystroglycanopathy (congenital with brain and eye anomalies), type A9. Also called: WALKER-WARBURG SYNDROME OR MUSCLE-EYE BRAIN DISEASE, DAG1-RELATED; Muscular dystrophy-dystroglycanopathy (congenital with brain and eye anomalies), type a, 9. Identifiers: Orphanet 370997, Orphanet 899, MedGen C4225291, MONDO:0014683, OMIM 616538.
Autosomal recessive limb-girdle muscular dystrophy type 2P. Also called: MUSCULAR DYSTROPHY-DYSTROGLYCANOPATHY, LIMB-GIRDLE, DAG1-RELATED; MUSCULAR DYSTROPHY, LIMB-GIRDLE, TYPE 2P; Limb-Girdle Muscular Dystrophy Type 9C. Identifiers: Orphanet 280333, MedGen C4511963, MONDO:0013440, OMIM 613818.

Allele frequency attached by ClinVar (database versions not stated): TOPMed 0.00003; gnomAD 0.00007; gnomAD exomes 0.00010 and 0.00019; ExAC 0.00031.
gnomAD v4.1: 156 of 1,614,024 alleles (0.0097%); highest among the groups gnomAD compares: Non-Finnish European, 0.0089%; no homozygotes.

Submissions (5):

Labcorp Genetics (formerly Invitae), Labcorp
Classification: Likely benign for Autosomal recessive limb-girdle muscular dystrophy type 2P; Muscular dystrophy-dystroglycanopathy (congenital with brain and eye anomalies), type A9. Last evaluated: 2025-12-03. Review status: criteria provided, single submitter. Criteria: Invitae Variant Classification Sherloc (09022015). Collection method: clinical testing. Allele origin: germline.

CeGaT Center for Human Genetics Tuebingen
Classification: Likely benign. Last evaluated: 2025-06-01. Review status: criteria provided, single submitter. Criteria: CeGaT Center For Human Genetics Tuebingen Variant Classification Criteria Version 2. Collection method: clinical testing. Allele origin: germline. Affected: yes. Observed: 2 variant alleles.
Comment: DAG1: BP4, BP7

Women's Health and Genetics/Laboratory Corporation of America, LabCorp
Classification: Likely benign. Last evaluated: 2024-12-09. Review status: criteria provided, single submitter. Criteria: LabCorp Variant Classification Summary - May 2015. Collection method: clinical testing. Allele origin: germline.

Eurofins Ntd Llc (ga)
Classification: Uncertain significance. Last evaluated: 2015-04-11. Review status: criteria provided, single submitter. Criteria: EGL Classification Definitions 2015. Collection method: clinical testing. Allele origin: germline. Observed: 4 variant alleles, 4 heterozygotes.

PreventionGenetics, part of Exact Sciences
Classification: Likely benign for DAG1-related condition. Last evaluated: 2019-03-06. Review status: no assertion criteria provided. Collection method: clinical testing. Allele origin: germline. Not counted in ClinVar's aggregate classification.
Comment: This variant is classified as likely benign based on ACMG/AMP sequence variant interpretation guidelines (Richards et al. 2015 PMID: 25741868, with internal and published modifications).

NM_004393.6(DAG1):c.183T>C (p.Val61=)

Gene: DAG1 (dystroglycan 1; plus strand). Cytogenetic location: 3p21.31.
Variant type: single nucleotide variant.
Coding change: c.183T>C on transcript NM_004393.6 (MANE Select); coding-DNA position 183, T replaced by C.
Protein change: p.Val61=; no amino-acid change (valine 61 retained).
Molecular consequence: synonymous variant.
Genome position (GRCh38, 1-based): chr3:49,510,717, T>C. VCF-style: chr3-49510717-T-C. GRCh37 (hg19) VCF-style: chr3-49548150-T-C.
Other names: c.183T>C, p.Val61= (NM_001177642.3, NM_001177643.3, NM_001177644.3 and 9 more transcripts); c.183T>C (NM_001165928.3).
Identifiers: ClinVar variation 195221 (VCV000195221.38), dbSNP rs775928044, ClinGen allele CA241546.
Genomic context (GRCh38, chr3:49,510,717, plus strand): 5'-CTGGGAAAACCAGCTTGAGGCATCCATGCACTCAGTGCTCTCAGACCTCCACGAGGCTGT[T>C]CCCACAGTGGTTGGCATTCCTGATGGCACGGCTGTCGTCGGGCGCTCATTTCGAGTGACC-3'
Protein context (NP_004384.5, residues 51-71): HSVLSDLHEA[Val61=]PTVVGIPDGT